The following is an entry in ClinVar:

ClinVar aggregate classification (germline): Uncertain significance (1 of 4 stars; one submission).

gnomAD v4.1: 7 of 1,613,944 alleles (0.00043%); highest among the groups gnomAD compares: East Asian, 0.016%; no homozygotes.

Submission:

GeneDx
Classification: Uncertain significance. Last evaluated: 2024-07-15. Review status: criteria provided, single submitter. Criteria: GeneDx Variant Classification Process June 2021. Collection method: clinical testing. Allele origin: germline. Affected: yes.
Comment: In silico analysis indicates that this missense variant does not alter protein structure/function; Has not been previously published as pathogenic or benign to our knowledge

NM_016343.4(CENPF):c.2052C>G (p.Asn684Lys)

Gene: CENPF (centromere protein F; plus strand). Cytogenetic location: 1q41.
Variant type: single nucleotide variant.
Coding change: c.2052C>G on transcript NM_016343.4 (MANE Select); coding-DNA position 2052, C replaced by G.
Protein change: p.Asn684Lys; replaces asparagine 684 with lysine.
Molecular consequence: missense variant.
Genome position (GRCh38, 1-based): chr1:214,640,390, C>G. VCF-style: chr1-214640390-C-G. GRCh37 (hg19) VCF-style: chr1-214813733-C-G.
Other names: short protein forms N684K.
Identifiers: ClinVar variation 3573628 (VCV003573628.1).